The following is an entry in ClinVar:

NM_013339.4(ALG6):c.726C>G (p.Phe242Leu)

Gene: ALG6 (ALG6 alpha-1,3-glucosyltransferase; plus strand). Cytogenetic location: 1p31.3.
Variant type: single nucleotide variant.
Coding change: c.726C>G on transcript NM_013339.4 (MANE Select); coding-DNA position 726, C replaced by G.
Protein change: p.Phe242Leu; replaces phenylalanine 242 with leucine.
Molecular consequence: missense variant.
Genome position (GRCh38, 1-based): chr1:63,411,971, C>G. VCF-style: chr1-63411971-C-G. GRCh37 (hg19) VCF-style: chr1-63877642-C-G.
Other names: short protein forms F242L.
Identifiers: ClinVar variation 2146519 (VCV002146519.1), dbSNP rs59848367, ClinGen allele CA888246.

ClinVar aggregate classification (germline): Uncertain significance (1 of 4 stars; one submission).

Conditions:
ALG6-congenital disorder of glycosylation 1C (CDG1C). Also called: Congenital disorder of glycosylation, type Ic; CDG Ic; CARBOHYDRATE-DEFICIENT GLYCOPROTEIN SYNDROME, TYPE I, WITH DEFICIENT GLYCOSYLATION OF DOLICHOL-LINKED OLIGOSACCHARIDE; CARBOHYDRATE-DEFICIENT GLYCOPROTEIN SYNDROME, TYPE V; Congenital disorder of glycosylation type 1C. Identifiers: Orphanet 79320, MedGen C2930997, MONDO:0011291, OMIM 603147.

gnomAD v4.1: 1 of 1,614,042 alleles (0.000062%); highest among the groups gnomAD compares: Non-Finnish European, 0.000085%; no homozygotes.

Submission:

Labcorp Genetics (formerly Invitae), Labcorp
Classification: Uncertain significance for ALG6-congenital disorder of glycosylation 1C. Last evaluated: 2022-03-25. Review status: criteria provided, single submitter. Criteria: Invitae Variant Classification Sherloc (09022015). Collection method: clinical testing. Allele origin: germline.
Comment: This sequence change replaces phenylalanine, which is neutral and non-polar, with leucine, which is neutral and non-polar, at codon 242 of the ALG6 protein (p.Phe242Leu). This variant is present in population databases (rs59848367, gnomAD 0.0009%). This variant has not been reported in the literature in individuals affected with ALG6-related conditions. Algorithms developed to predict the effect of missense changes on protein structure and function are either unavailable or do not agree on the potential impact of this missense change (SIFT: "Deleterious"; PolyPhen-2: "Possibly Damaging"; Align-GVGD: "Class C15"). In summary, the available evidence is currently insufficient to determine the role of this variant in disease. Therefore, it has been classified as a Variant of Uncertain Significance.